The following is an entry in ClinVar:

ClinVar aggregate classification (germline): Uncertain significance. Review status: criteria provided, multiple submitters, no conflicts (2 of 4 stars). 3 submissions from 3 submitters: Uncertain significance (3). Last evaluated 2025-06-16.

Allele frequency attached by ClinVar (database versions not stated): gnomAD 0.00004; gnomAD exomes 0.00005 and 0.00009; ExAC 0.00008; ESP Exome Variant Server 0.00008; TOPMed 0.00011.
gnomAD v4.1: 80 of 1,613,246 alleles (0.005%); highest among the groups gnomAD compares: Middle Eastern, 0.066%; no homozygotes.

Submissions (3):

Labcorp Genetics (formerly Invitae), Labcorp
Classification: Uncertain significance. Last evaluated: 2025-06-16. Review status: criteria provided, single submitter. Criteria: Invitae Variant Classification Sherloc (09022015). Collection method: clinical testing. Allele origin: germline.
Comment: This sequence change replaces asparagine, which is neutral and polar, with serine, which is neutral and polar, at codon 326 of the PITRM1 protein (p.Asn326Ser). This variant is present in population databases (rs373184654, gnomAD 0.02%). This variant has not been reported in the literature in individuals affected with PITRM1-related conditions. ClinVar contains an entry for this variant (Variation ID: 1299448). An algorithm developed to predict the effect of missense changes on protein structure and function outputs the following: PolyPhen-2: "Possibly Damaging". The serine amino acid residue is found in multiple mammalian species, which suggests that this missense change does not adversely affect protein function. In summary, the available evidence is currently insufficient to determine the role of this variant in disease. Therefore, it has been classified as a Variant of Uncertain Significance.

Ambry Genetics
Classification: Uncertain significance. Last evaluated: 2024-12-15. Review status: criteria provided, single submitter. Criteria: Ambry Variant Classification Scheme 2023. Collection method: clinical testing. Allele origin: germline.

Illumina Laboratory Services, Illumina
Classification: Uncertain significance. Last evaluated: 2021-07-20. Review status: criteria provided, single submitter. Criteria: ICSLVariantClassificationCriteria RUGD 01 April 2020. Collection method: clinical testing. Allele origin: unknown.
Comment: The PITRM1 c.1073A>G (p.Asn358Ser) variant is a missense variant. A literature search was performed for the gene, cDNA change, and amino acid change. No publications were found based on this search. The p.Asn358Ser variant is reported at a frequency of 0.000560 in the Other population of the Genome Aggregation Database (version 2.1.1). Based on the available evidence, the p.Asn358Ser variant is classified as a variant of uncertain significance.

NM_014889.4(PITRM1):c.1073A>G (p.Asn358Ser)

Gene: PITRM1 (pitrilysin metallopeptidase 1; minus strand). Cytogenetic location: 10p15.2.
Variant type: single nucleotide variant.
Coding change: c.1073A>G on transcript NM_014889.4 (MANE Select); coding-DNA position 1073, A replaced by G.
Protein change: p.Asn358Ser; replaces asparagine 358 with serine.
Molecular consequence: missense variant. On other transcripts: 5 prime UTR variant (1), non-coding transcript variant (4).
Genome position (GRCh38, 1-based): chr10:3,158,977, T>C on the plus strand (A>G on the coding strand, the complement: PITRM1 is on the minus strand). VCF-style: chr10-3158977-T-C. GRCh37 (hg19) VCF-style: chr10-3201169-T-C.
Other names: c.1073A>G (NM_001242307.1); c.1073A>G, p.Asn358Ser (NM_001242307.2, NM_001347725.2); c.977A>G, p.Asn326Ser (NM_001242309.1); c.458A>G, p.Asn153Ser (NM_001347726.2, NM_001347727.2); c.-228A>G (NM_001347728.2); c.1049A>G, p.Asn350Ser (NM_001347729.1, NM_001347730.1); short protein forms N153S, N326S, N350S, N358S.
Identifiers: ClinVar variation 1299448 (VCV001299448.9), dbSNP rs373184654, ClinGen allele CA5387944.